The following is an entry in ClinVar:

NM_001164508.2(NEB):c.17224C>T (p.Gln5742Ter)

Gene: NEB (nebulin; minus strand). Cytogenetic location: 2q23.3.
Variant type: single nucleotide variant.
Coding change: c.17224C>T on transcript NM_001164508.2 (MANE Select); coding-DNA position 17224, C replaced by T.
Protein change: p.Gln5742Ter; replaces glutamine 5742 with a stop codon.
Molecular consequence: nonsense.
Genome position (GRCh38, 1-based): chr2:151,570,287, G>A on the plus strand (C>T on the coding strand, the complement: NEB is on the minus strand). VCF-style: chr2-151570287-G-A. GRCh37 (hg19) VCF-style: chr2-152426801-G-A.
Other names: c.17224C>T, p.Gln5742Ter (NM_001164507.2, NM_001271208.2); c.12121C>T, p.Gln4041Ter (NM_004543.5); short protein forms Q4041*, Q5742*.
Identifiers: ClinVar variation 1454460 (VCV001454460.6), dbSNP rs2153755942, ClinGen allele CA348808165.

ClinVar aggregate classification (germline): Pathogenic (1 of 4 stars; one submission).

Conditions:
Nemaline myopathy 2 (NEM2). Also called: Nemaline myopathy 2, autosomal recessive. Identifiers: MedGen C1850569, MONDO:0009725, OMIM 256030.

Submission:

Labcorp Genetics (formerly Invitae), Labcorp
Classification: Pathogenic for Nemaline myopathy 2. Last evaluated: 2021-08-03. Review status: criteria provided, single submitter. Criteria: Invitae Variant Classification Sherloc (09022015). Collection method: clinical testing. Allele origin: germline.
Comment: This variant has not been reported in the literature in individuals affected with NEB-related conditions. For these reasons, this variant has been classified as Pathogenic. This variant is not present in population databases (ExAC no frequency). This sequence change creates a premature translational stop signal (p.Gln5742*) in the NEB gene. It is expected to result in an absent or disrupted protein product. Loss-of-function variants in NEB are known to be pathogenic (PMID: 25205138).

Literature cited by the submitters: PubMed 25205138.